The following continues an entry in ClinVar:

NM_000038.6(APC):c.694C>T (p.Arg232Ter)

Gene: APC. ClinVar aggregate classification (germline): Pathogenic. Pathogenic (1). ClinVar aggregate classification (somatic clinical impact): Tier I - Strong. ClinVar aggregate classification (oncogenicity): Likely oncogenic.

Submissions 10 to 23 of 23:

Baylor Genetics
Classification: Pathogenic for Familial adenomatous polyposis 1. Last evaluated: 2023-10-09. Review status: criteria provided, single submitter. Criteria: ACMG Guidelines, 2015. Collection method: clinical testing. Allele origin: unknown. Not counted in ClinVar's aggregate classification.

Quest Diagnostics Nichols Institute San Juan Capistrano
Classification: Pathogenic. Last evaluated: 2023-10-09. Review status: criteria provided, single submitter. Criteria: Quest Diagnostics criteria. Collection method: clinical testing. Allele origin: unknown. Not counted in ClinVar's aggregate classification.
Comment: The APC c.694C>T (p.Arg232*) variant causes the premature termination of APC protein synthesis. This variant has been reported in the published literature in individuals with familial adenomatous polyposis (FAP) (PMID: 17963004 (2007), 18433509 (2008), 20924072 (2011), 26300997 (2015), 30897307 (2019), 35189564 (2022)) and pancreatic cancer (PMID: 29961768 (2019)). This variant has not been reported in large, multi-ethnic general populations (Genome Aggregation Database). Based on the available information, this variant is classified as pathogenic.

Color Diagnostics, LLC DBA Color Health
Classification: Pathogenic for Hereditary cancer-predisposing syndrome. Last evaluated: 2023-07-11. Review status: criteria provided, single submitter. Criteria: ACMG Guidelines, 2015. Collection method: clinical testing. Allele origin: germline. Not counted in ClinVar's aggregate classification.
Comment: This variant changes 1 nucleotide in exon 7 of the APC gene, creating a premature translation stop signal. This variant is expected to result in an absent or non-functional protein product. To our knowledge, functional studies have not been reported for this variant. This variant has been reported in individuals affected with familial adenomatous polyposis (PMID: 1316610, 1338764, 7524601, 7833149, 8381580, 10077047, 11668620, 12007223, 12010888, 12173026, 15108286, 17963004, 18433509, 19279422, 21110124, 23116752, 23159591) and a family affected with colorectal cancer and polyps (PMID: 24735542). This variant has not been identified in the general population by the Genome Aggregation Database (gnomAD). Loss of APC function is a known mechanism of disease. Based on the available evidence, this variant is classified as Pathogenic.

Myriad Genetics, Inc.
Classification: Pathogenic for Familial adenomatous polyposis 1. Last evaluated: 2023-04-27. Review status: criteria provided, single submitter. Criteria: Myriad Autosomal Dominant, Autosomal Recessive and X-Linked Classification Criteria (2023). Collection method: clinical testing. Allele origin: unknown. Not counted in ClinVar's aggregate classification.
Comment: This variant is considered pathogenic. This variant creates a termination codon and is predicted to result in premature protein truncation.

Mayo Clinic Laboratories, Mayo Clinic
Classification: Pathogenic. Last evaluated: 2023-04-04. Review status: criteria provided, single submitter. Criteria: ACMG Guidelines, 2015. Collection method: clinical testing. Allele origin: germline. Observed: 36 variant alleles. Not counted in ClinVar's aggregate classification.
Comment: PP1, PP4, PM2, PS4_moderate, PVS1

Institute for Genomic Medicine (IGM) Clinical Laboratory, Nationwide Children's Hospital
Classification: Tier I - Strong for Colon adenocarcinoma. Assertion type: diagnostic. Clinical significance: supports diagnosis. Last evaluated: 2022-12-16. Review status: criteria provided, single submitter. Criteria: AMP/ASCO/CAP Guidelines, 2017. Collection method: clinical testing. Allele origin: somatic. Affected: yes.
Comment: Variant has Tier I (strong) clinical significance as a diagnostic inclusion criterion in colon adenocarcinoma, based on the following evidence: 1) Documented in one or more cancer databases (e.g., St. Jude Pecan, COSMIC, CIViC, OncoKB). 2) Information in the literature supports potential biologic effect of variant (PMID: 9065402). 3) Diagnostic for a specific tumor type/classification based on well-powered studies with expert-level consensus (Evidence Level B).

MGZ Medical Genetics Center
Classification: Pathogenic for Familial adenomatous polyposis 1. Last evaluated: 2021-09-17. Review status: criteria provided, single submitter. Criteria: ACMG Guidelines, 2015. Collection method: clinical testing. Allele origin: germline. Affected: yes. Observed: 1 variant allele. Not counted in ClinVar's aggregate classification.
Comment: ACMG criteria applied: PVS1, PS4, PM2_SUP

Institute of Medical Genetics and Applied Genomics, University Hospital Tübingen
Classification: Pathogenic. Last evaluated: 2020-10-23. Review status: criteria provided, single submitter. Criteria: ACMG Guidelines, 2015. Collection method: clinical testing. Allele origin: germline. Inheritance: Unknown mechanism. Affected: yes. Not counted in ClinVar's aggregate classification.

Fulgent Genetics
Classification: Pathogenic for Colorectal cancer; Hepatocellular carcinoma; Desmoid disease, hereditary; Familial adenomatous polyposis 1; Gastric cancer. Last evaluated: 2018-10-31. Review status: criteria provided, single submitter. Criteria: ACMG Guidelines, 2015. Collection method: clinical testing. Allele origin: unknown. Not counted in ClinVar's aggregate classification.

Human Genome Sequencing Center Clinical Lab, Baylor College of Medicine
Classification: Pathogenic for Familial adenomatous polyposis 1. Last evaluated: 2017-12-04. Review status: criteria provided, single submitter. Criteria: ACMG Guidelines, 2015. Collection method: clinical testing. Allele origin: germline. Not counted in ClinVar's aggregate classification.
Comment: This c.694C>T (p.Arg232*) variant in the APC gene is predicted to introduce a premature translation termination codon. This variant has been reported in multiple unrelated individuals with familial adenomatous polyposis (PMID: 1316610, 8187091, 8730280, 8990002, 9664575, 9950360, 12007223, 12173026, 15108286, 16134147, 17963004, 20223039, 20649969, 20924072, 21110124, 23159591). The c.694C>T (p.Arg232*) variant in the APC gene is classified as pathogenic.

Center for Human Genetics, Inc
Classification: Pathogenic for Familial multiple polyposis syndrome. Last evaluated: 2016-11-01. Review status: criteria provided, single submitter. Criteria: ACMG Guidelines, 2015. Collection method: clinical testing. Allele origin: germline. Affected: yes. Not counted in ClinVar's aggregate classification.

Laboratory for Molecular Medicine, Mass General Brigham Personalized Medicine
Classification: Pathogenic for Familial multiple polyposis syndrome. Last evaluated: 2012-01-31. Review status: criteria provided, single submitter. Criteria: LMM Criteria. Collection method: clinical testing. Allele origin: germline. Observed: 5 variant alleles. Not counted in ClinVar's aggregate classification.
Comment: The Arg232X nonsense variant has previously been reported as pathogenic in the l iterature. This variant has been identified as a germline change in at least 15 individuals with clinical features of Familial Adenomatous Polyposis syndrome (M iyoshi 1992, Olschwang 1997, Kraus 1998, Gavert 2002, Michils 2002, Bisgaard 200 4, Friedl 2005, Aceto 2005, De la Fuente 2007, Fostira 2010, Han 2011, Rivera 20 11) and in one individual with clinical diagnosis of Attenuated Familial Adenoma tous Polyposis (AFAP) (Rivera 2011). The presence of a heterozygous pathogenic v ariant in APC is consistent with a diagnosis of Familial Adenomatous Polyposis ( FAP) syndrome.

Department of Pathology and Laboratory Medicine, Sinai Health System
Classification: Pathogenic. Review status: no assertion criteria provided. Collection method: clinical testing. Allele origin: unknown. Affected: yes. Observed: 4 variant alleles. Study: The Canadian Open Genetics Repository (COGR). Not counted in ClinVar's aggregate classification.
Comment: The APC p.Arg232X variant was identified in the literature in 18 of 7060 proband chromosomes (frequency: 0.003) from individuals with familial adenomatous polyposis (Dobbie 1996, Fostira 2010, Friedle 2005, Han 2011, Kerr 2012, Michils 2002, Miyaki 1994, Miyoshi 1992, Olschwang 1993, Van der Luijt 1997, Wallis 1999); and was found to segregate with disease in one of the families studied, increasing the likelihood that it is pathogenic (Olschwang 1993). This variant was also identified in HGMD, â€šÃ„ÃºInSiGHT Colon Cancer Databaseâ€šÃ„Ã¹, and 66 times in UMD. The p.Arg232X variant leads to a premature stop codon at position 232, which is predicted to lead to a truncated or absent protein and loss of function. Loss of function variants of the APC gene are an established mechanism of disease in familial adenomatous polyposis and is the type of variant expected to cause the disorder. In summary, based on the above information, this variant is classified as pathogenic.

Genomic Medicine Center of Excellence, King Faisal Specialist Hospital and Research Centre
Classification: Uncertain significance for Familial adenomatous polyposis 1. Last evaluated: 2024-03-29. Review status: flagged submission. Criteria: ACMG Guidelines, 2015. Collection method: clinical testing. Allele origin: germline. Not counted in ClinVar's aggregate classification.
ClinVar note: Reason: Outlier claim with insufficient supporting evidence

Literature cited by the submitters: PubMed 1316610 (cited by 8 submitters); PubMed 35189564 (cited by 3 submitters); PubMed 20223039 (cited by 5 submitters); PubMed 7524601 (cited by Dasa and Color Diagnostics, LLC DBA Color Health); PubMed 21110124 (cited by 4 submitters); PubMed 19279422 (cited by Dasa and Color Diagnostics, LLC DBA Color Health); PubMed 17963004 (cited by 5 submitters); PubMed 20685668 (cited by 3 submitters); PubMed 24735542 (cited by 6 submitters); PubMed 18433509 (cited by 3 submitters); PubMed 26300997 (cited by 3 submitters); PubMed 34352208 (cited by Center for Genomic Medicine, Rigshospitalet, Copenhagen University Hospital); PubMed 20924072 (cited by 3 submitters); PubMed 16134147 (cited by 3 submitters); PubMed 15108286 (cited by 4 submitters); PubMed 30897307 (cited by Quest Diagnostics Nichols Institute San Juan Capistrano); PubMed 29961768 (cited by Quest Diagnostics Nichols Institute San Juan Capistrano); PubMed 1338764 (cited by Color Diagnostics, LLC DBA Color Health); PubMed 7833149 (cited by Color Diagnostics, LLC DBA Color Health); PubMed 8381580 (cited by Color Diagnostics, LLC DBA Color Health); PubMed 10077047 (cited by Color Diagnostics, LLC DBA Color Health); PubMed 11668620 (cited by Color Diagnostics, LLC DBA Color Health); PubMed 12007223 (cited by 3 submitters); PubMed 12010888 (cited by Color Diagnostics, LLC DBA Color Health); PubMed 12173026 (cited by Color Diagnostics, LLC DBA Color Health and Laboratory for Molecular Medicine, Mass General Brigham Personalized Medicine); PubMed 23116752 (cited by Color Diagnostics, LLC DBA Color Health); PubMed 23159591 (cited by Color Diagnostics, LLC DBA Color Health); PubMed 20649969 (cited by Mayo Clinic Laboratories, Mayo Clinic and Laboratory for Molecular Medicine, Mass General Brigham Personalized Medicine); PubMed 9664575 (cited by Mayo Clinic Laboratories, Mayo Clinic and Laboratory for Molecular Medicine, Mass General Brigham Personalized Medicine); PubMed 9065402 (cited by Institute for Genomic Medicine (IGM) Clinical Laboratory, Nationwide Children's Hospital); PubMed 9342373 (cited by Laboratory for Molecular Medicine, Mass General Brigham Personalized Medicine).